The following is an entry in ClinVar:

ClinVar aggregate classification (germline): Uncertain significance (1 of 4 stars; one submission).

Submission:

GeneDx
Classification: Uncertain significance. Last evaluated: 2026-01-21. Review status: criteria provided, single submitter. Criteria: GeneDx Variant Classification Process June 2021. Collection method: clinical testing. Allele origin: germline.
Comment: Not observed at significant frequency in large population cohorts (gnomAD); In silico analysis suggests that this missense variant does not alter protein structure/function; Has not been previously published as pathogenic or benign to our knowledge

NM_004979.6(KCND1):c.1504G>A (p.Ala502Thr)

Gene: KCND1 (potassium voltage-gated channel subfamily D member 1; minus strand). Cytogenetic location: Xp11.23.
Variant type: single nucleotide variant.
Coding change: c.1504G>A on transcript NM_004979.6 (MANE Select); coding-DNA position 1504, G replaced by A.
Protein change: p.Ala502Thr; replaces alanine 502 with threonine.
Molecular consequence: missense variant.
Genome position (GRCh38, 1-based): chrX:48,966,269, C>T on the plus strand (G>A on the coding strand, the complement: KCND1 is on the minus strand). VCF-style: chrX-48966269-C-T. GRCh37 (hg19) VCF-style: chrX-48822676-C-T.
Other names: short protein forms A502T.
Identifiers: ClinVar variation 4975334 (VCV004975334.1).
Genomic context (GRCh38, chrX:48,966,269, plus strand): 5'-GCTGGGAAGACACAGAGGTGCTACGGCTGGTGCGGCCACCCGGCGAGACGGCTCCCAGGG[C>T]TTCACTGAAGGTGAGCTCATCTGTGAACTCATGGCACTATGGGCAGAAGGGAGGCAGGGT-3'
Protein context (NP_004970.3, residues 492-512): EFTDELTFSE[Ala502Thr]LGAVSPGGRT